The following is an entry in ClinVar:

ClinVar aggregate classification (germline): Uncertain significance (1 of 4 stars; one submission).

Conditions:
Immunodeficiency 39 (IMD39). Identifiers: Orphanet 574918, MedGen C4225358, MONDO:0014597, OMIM 616345.

Allele frequency attached by ClinVar (database versions not stated): gnomAD exomes below 0.00001 and 0.00001; ExAC 0.00002; gnomAD 0.00003 and 0.00004; TOPMed 0.00003.

Submission:

Labcorp Genetics (formerly Invitae), Labcorp
Classification: Uncertain significance for Immunodeficiency 39. Last evaluated: 2025-11-24. Review status: criteria provided, single submitter. Criteria: Invitae Variant Classification Sherloc (09022015). Collection method: clinical testing. Allele origin: germline.
Comment: This sequence change replaces glycine, which is neutral and non-polar, with arginine, which is basic and polar, at codon 89 of the IRF7 protein (p.Gly89Arg). This variant is present in population databases (rs750277291, gnomAD 0.02%). This variant has not been reported in the literature in individuals affected with IRF7-related conditions. ClinVar contains an entry for this variant (Variation ID: 1475333). Invitae Evidence Modeling of protein sequence and biophysical properties (such as structural, functional, and spatial information, amino acid conservation, physicochemical variation, residue mobility, and thermodynamic stability) indicates that this missense variant is not expected to disrupt IRF7 protein function with a negative predictive value of 80%. In summary, the available evidence is currently insufficient to determine the role of this variant in disease. Therefore, it has been classified as a Variant of Uncertain Significance.

NM_001572.5(IRF7):c.226G>A (p.Gly76Arg)

Gene: IRF7 (interferon regulatory factor 7; minus strand). Cytogenetic location: 11p15.5.
Variant type: single nucleotide variant.
Coding change: c.226G>A on transcript NM_001572.5 (MANE Select); coding-DNA position 226, G replaced by A.
Protein change: p.Gly76Arg; replaces glycine 76 with arginine.
Molecular consequence: missense variant.
Genome position (GRCh38, 1-based): chr11:614,965, C>T on the plus strand (G>A on the coding strand, the complement: IRF7 is on the minus strand). VCF-style: chr11-614965-C-T. GRCh37 (hg19) VCF-style: chr11-614965-C-T.
Other names: c.226G>A, p.Gly76Arg (NM_004029.4); c.265G>A, p.Gly89Arg (NM_004031.4); short protein forms G89R, G76R.
Identifiers: ClinVar variation 1475333 (VCV001475333.8), dbSNP rs750277291, ClinGen allele CA5784034.
Genomic context (GRCh38, chr11:614,965, plus strand): 5'-GGAAGTTGGTTTTCCAGCCGGCGCGCTCCGCAGTCTCAGCCTCGGGGGGCGGGCCACCTC[C>T]CCTGCTGCTAGGCGGCCACCTGCCGCGGGCCACAGCCCAGGCCTGAAGAGGGGGACAGAA-3'
Protein context (NP_001563.2, residues 66-86): ARGRWPPSSR[Gly76Arg]GGPPPEAETA